The following is an entry in ClinVar:

ClinVar aggregate classification (germline): Benign (0 of 4 stars; one submission).

Conditions:
FAM47A-related disorder. Also called: FAM47A-related condition.

Submission:

PreventionGenetics, part of Exact Sciences
Classification: Benign for FAM47A-related condition. Last evaluated: 2020-02-04. Review status: no assertion criteria provided. Collection method: clinical testing. Allele origin: germline.
Comment: This variant is classified as benign based on ACMG/AMP sequence variant interpretation guidelines (Richards et al. 2015 PMID: 25741868, with internal and published modifications).

NM_203408.4(FAM47A):c.703_738del (p.223LRPEPPETGVSH[1])

Gene: FAM47A (family with sequence similarity 47 member A; minus strand). Cytogenetic location: Xp21.1.
Variant type: Deletion.
Coding change: c.703_738del on transcript NM_203408.4 (MANE Select); coding-DNA positions 703 to 738, 36 bases deleted.
Protein change: p.223LRPEPPETGVSH[1].
Genome position (GRCh38, 1-based): chrX:34,131,541-34,131,576, 36 bases deleted; deleting any 36 consecutive bases within chrX:34,131,541-34,131,594 gives the same sequence; the c. name uses the placement nearest the transcript's 3' end. GRCh37 (hg19): chrX:34,149,676-34,149,711.
Identifiers: ClinVar variation 3041929 (VCV003041929.2), dbSNP rs772223766, ClinGen allele CA10380610.